The following is an entry in ClinVar:

NM_004655.4(AXIN2):c.80C>T (p.Pro27Leu)

Gene: AXIN2 (axin 2; minus strand). Cytogenetic location: 17q24.1.
Variant type: single nucleotide variant.
Coding change: c.80C>T on transcript NM_004655.4 (MANE Select); coding-DNA position 80, C replaced by T.
Protein change: p.Pro27Leu; replaces proline 27 with leucine.
Molecular consequence: missense variant.
Genome position (GRCh38, 1-based): chr17:65,558,541, G>A on the plus strand (C>T on the coding strand, the complement: AXIN2 is on the minus strand). VCF-style: chr17-65558541-G-A. GRCh37 (hg19) VCF-style: chr17-63554659-G-A.
Other names: c.80C>T, p.Pro27Leu (NM_001363813.1); short protein forms P27L.
Identifiers: ClinVar variation 1498295 (VCV001498295.8), dbSNP rs2144591413, ClinGen allele CA400682257.
Genomic context (GRCh38, chr17:65,558,541, plus strand): 5'-TTGGTGACCTGGCCCTTGCCCACCCCTGGCTGACACGGTGGGGTCTCCCCTTCTTCCCCT[G>A]GCACTGGGGGCCGCGGGGCATCCTCACGGAAGCTGCTGCTGGGGTCCGGGAGGCAAGTCA-3'
Protein context (NP_004646.3, residues 17-37): FREDAPRPPV[Pro27Leu]GEEGETPPCQ

ClinVar aggregate classification (germline): Uncertain significance (1 of 4 stars; one submission).

Conditions:
Oligodontia-cancer predisposition syndrome. Also called: TOOTH AGENESIS-COLORECTAL CANCER SYNDROME. Identifiers: Orphanet 300576, MedGen C1837750, MONDO:0012075, OMIM 608615. Disease mechanism: loss of function.

Submission:

Labcorp Genetics (formerly Invitae), Labcorp
Classification: Uncertain significance for Oligodontia-cancer predisposition syndrome. Last evaluated: 2020-12-27. Review status: criteria provided, single submitter. Criteria: Invitae Variant Classification Sherloc (09022015). Collection method: clinical testing. Allele origin: germline.
Comment: In summary, the available evidence is currently insufficient to determine the role of this variant in disease. Therefore, it has been classified as a Variant of Uncertain Significance. Algorithms developed to predict the effect of missense changes on protein structure and function are either unavailable or do not agree on the potential impact of this missense change (SIFT: "Deleterious"; PolyPhen-2: "Probably Damaging"; Align-GVGD: "Class C0"). This variant has not been reported in the literature in individuals with AXIN2-related conditions. This variant is not present in population databases (ExAC no frequency). This sequence change replaces proline with leucine at codon 27 of the AXIN2 protein (p.Pro27Leu). The proline residue is highly conserved and there is a moderate physicochemical difference between proline and leucine.